The following is an entry in ClinVar:

NM_001690.4(ATP6V1A):c.322G>A (p.Asp108Asn)

Gene: ATP6V1A (ATPase H+ transporting V1 subunit A; plus strand). Cytogenetic location: 3q13.31.
Variant type: single nucleotide variant.
Coding change: c.322G>A on transcript NM_001690.4 (MANE Select); coding-DNA position 322, G replaced by A.
Protein change: p.Asp108Asn; replaces aspartic acid 108 with asparagine.
Molecular consequence: missense variant.
Genome position (GRCh38, 1-based): chr3:113,784,334, G>A. VCF-style: chr3-113784334-G-A. GRCh37 (hg19) VCF-style: chr3-113503181-G-A.
Other names: short protein forms D108N.
Identifiers: ClinVar variation 4699668 (VCV004699668.1).
Genomic context (GRCh38, chr3:113,784,334, plus strand): 5'-GTAGAGCTTGGTCCTGGCATTATGGGAGCCATTTTTGATGGTATTCAAAGACCTTTGTCG[G>A]ATATCAGCAGTCAGACCCAAAGCATCTACATCCCCAGAGGAGTAAACGTGTCTGCTCTTA-3'
Protein context (NP_001681.2, residues 98-118): IFDGIQRPLS[Asp108Asn]ISSQTQSIYI

ClinVar aggregate classification (germline): Uncertain significance (1 of 4 stars; one submission).

gnomAD v4.1: 5 of 1,613,992 alleles (0.00031%); highest among the groups gnomAD compares: African/African-American, 0.0027%; no homozygotes.

Submission:

Labcorp Genetics (formerly Invitae), Labcorp
Classification: Uncertain significance. Last evaluated: 2025-06-10. Review status: criteria provided, single submitter. Criteria: Invitae Variant Classification Sherloc (09022015). Collection method: clinical testing. Allele origin: germline.
Comment: This sequence change replaces aspartic acid, which is acidic and polar, with asparagine, which is neutral and polar, at codon 108 of the ATP6V1A protein (p.Asp108Asn). This variant is present in population databases (no rsID available, gnomAD 0.01%). This variant has not been reported in the literature in individuals affected with ATP6V1A-related conditions. Invitae Evidence Modeling of protein sequence and biophysical properties (such as structural, functional, and spatial information, amino acid conservation, physicochemical variation, residue mobility, and thermodynamic stability) indicates that this missense variant is not expected to disrupt ATP6V1A protein function with a negative predictive value of 80%. In summary, the available evidence is currently insufficient to determine the role of this variant in disease. Therefore, it has been classified as a Variant of Uncertain Significance.